The following is an entry in ClinVar:

ClinVar aggregate classification (germline): Uncertain significance (1 of 4 stars; one submission).

Conditions:
DICER1-related tumor predisposition. Also called: DICER1-related pleuropulmonary blastoma cancer predisposition syndrome; DICER1 syndrome. Identifiers: Orphanet 284343, MedGen C3839822, MONDO:0100216.

Submission:

Labcorp Genetics (formerly Invitae), Labcorp
Classification: Uncertain significance for DICER1-related tumor predisposition. Last evaluated: 2024-08-17. Review status: criteria provided, single submitter. Criteria: Invitae Variant Classification Sherloc (09022015). Collection method: clinical testing. Allele origin: germline.
Comment: This sequence change replaces tyrosine, which is neutral and polar, with cysteine, which is neutral and slightly polar, at codon 546 of the DICER1 protein (p.Tyr546Cys). This variant is not present in population databases (gnomAD no frequency). This variant has not been reported in the literature in individuals affected with DICER1-related conditions. ClinVar contains an entry for this variant (Variation ID: 944800). Invitae Evidence Modeling of protein sequence and biophysical properties (such as structural, functional, and spatial information, amino acid conservation, physicochemical variation, residue mobility, and thermodynamic stability) indicates that this missense variant is expected to disrupt DICER1 protein function with a positive predictive value of 80%. In summary, the available evidence is currently insufficient to determine the role of this variant in disease. Therefore, it has been classified as a Variant of Uncertain Significance.

NM_177438.3(DICER1):c.1637A>G (p.Tyr546Cys)

Gene: DICER1 (dicer 1, ribonuclease III; minus strand). Cytogenetic location: 14q32.13.
Variant type: single nucleotide variant.
Coding change: c.1637A>G on transcript NM_177438.3 (MANE Select); coding-DNA position 1637, A replaced by G.
Protein change: p.Tyr546Cys; replaces tyrosine 546 with cysteine.
Molecular consequence: missense variant.
Genome position (GRCh38, 1-based): chr14:95,116,568, T>C on the plus strand (A>G on the coding strand, the complement: DICER1 is on the minus strand). VCF-style: chr14-95116568-T-C. GRCh37 (hg19) VCF-style: chr14-95582905-T-C.
Other names: c.1637A>G, p.Tyr546Cys (NM_001195573.1, NM_001271282.3, NM_001291628.2 and 1 more transcripts); short protein forms Y546C.
Identifiers: ClinVar variation 944800 (VCV000944800.11), dbSNP rs1892492471, ClinGen allele CA390884905.